The following is an entry in ClinVar:

NM_001458.5(FLNC):c.5583T>A (p.His1861Gln)

Genes: FLNC (filamin C; plus strand), FLNC-AS1 (FLNC antisense RNA 1; minus strand). Cytogenetic location: 7q32.1.
Variant type: single nucleotide variant.
Coding change: c.5583T>A on transcript NM_001458.5 (MANE Select); coding-DNA position 5583, T replaced by A.
Protein change: p.His1861Gln; replaces histidine 1861 with glutamine.
Molecular consequence: missense variant.
Genome position (GRCh38, 1-based): chr7:128,851,275, T>A. VCF-style: chr7-128851275-T-A. GRCh37 (hg19) VCF-style: chr7-128491329-T-A.
Other names: c.5484T>A, p.His1828Gln (NM_001127487.2); short protein forms H1861Q, H1828Q.
Identifiers: ClinVar variation 3850793 (VCV003850793.1).

ClinVar aggregate classification (germline): Uncertain significance (1 of 4 stars; one submission).

Conditions:
Cardiovascular phenotype. Identifiers: MedGen CN230736.

gnomAD v4.1: 1 of 1,614,110 alleles (0.000062%); highest among the groups gnomAD compares: Non-Finnish European, 0.000085%; no homozygotes.

Submission:

Ambry Genetics
Classification: Uncertain significance for Cardiovascular phenotype. Last evaluated: 2025-02-13. Review status: criteria provided, single submitter. Criteria: Ambry Variant Classification Scheme 2023. Collection method: clinical testing. Allele origin: germline.
Comment: The p.H1861Q variant (also known as c.5583T>A), located in coding exon 34 of the FLNC gene, results from a T to A substitution at nucleotide position 5583. The histidine at codon 1861 is replaced by glutamine, an amino acid with highly similar properties. This amino acid position is conserved. In addition, this alteration is predicted to be tolerated by in silico analysis. Based on the available evidence, the clinical significance of this variant remains unclear.